The following is an entry in ClinVar:

NM_007254.4(PNKP):c.1291C>T (p.Arg431Cys)

Gene: PNKP (polynucleotide kinase 3'-phosphatase; minus strand). Cytogenetic location: 19q13.33.
Variant type: single nucleotide variant.
Coding change: c.1291C>T on transcript NM_007254.4 (MANE Select); coding-DNA position 1291, C replaced by T.
Protein change: p.Arg431Cys; replaces arginine 431 with cysteine.
Molecular consequence: missense variant.
Genome position (GRCh38, 1-based): chr19:49,861,779, G>A on the plus strand (C>T on the coding strand, the complement: PNKP is on the minus strand). VCF-style: chr19-49861779-G-A. GRCh37 (hg19) VCF-style: chr19-50365036-G-A.
Other names: short protein forms R431C.
Identifiers: ClinVar variation 1769110 (VCV001769110.5), dbSNP rs1413615600, ClinGen allele CA406933367.
Genomic context (GRCh38, chr19:49,861,779, plus strand): 5'-GCAGGCCCCGCCCACCCCGCCGCAGGCCACCTACGGCCCCGCGGTCACGCTACCTGGCGC[G>A]GCTCGCGGCGTCTGGGTTTGTGTTGTCGATGGCGACCCGTTTCCCTTGCTTCAGGGCTGT-3'
Protein context (NP_009185.2, residues 421-441): IDNTNPDAAS[Arg431Cys]ARYVQCARAA

ClinVar aggregate classification (germline): Uncertain significance. Review status: criteria provided, multiple submitters, no conflicts (2 of 4 stars). 2 submissions from 2 submitters: Uncertain significance (2). Last evaluated 2025-03-06.

Conditions:
Inborn genetic diseases. Identifiers: MedGen C0950123, MeSH D030342.
Developmental and epileptic encephalopathy, 12 (DEE12). Identifiers: MedGen C3150988, MONDO:0013389, OMIM 613722.

Allele frequency attached by ClinVar (database versions not stated): gnomAD 0.00001; TOPMed 0.00001.
gnomAD v4.1: 6 of 1,563,626 alleles (0.00038%); highest among the groups gnomAD compares: East Asian, 0.0024%; no homozygotes.

Submissions (2):

Labcorp Genetics (formerly Invitae), Labcorp
Classification: Uncertain significance for Developmental and epileptic encephalopathy, 12. Last evaluated: 2025-03-06. Review status: criteria provided, single submitter. Criteria: Invitae Variant Classification Sherloc (09022015). Collection method: clinical testing. Allele origin: germline.
Comment: This sequence change replaces arginine, which is basic and polar, with cysteine, which is neutral and slightly polar, at codon 431 of the PNKP protein (p.Arg431Cys). This variant is present in population databases (no rsID available, gnomAD 0.007%). This variant has not been reported in the literature in individuals affected with PNKP-related conditions. ClinVar contains an entry for this variant (Variation ID: 1769110). Invitae Evidence Modeling of protein sequence and biophysical properties (such as structural, functional, and spatial information, amino acid conservation, physicochemical variation, residue mobility, and thermodynamic stability) indicates that this missense variant is expected to disrupt PNKP protein function with a positive predictive value of 80%. In summary, the available evidence is currently insufficient to determine the role of this variant in disease. Therefore, it has been classified as a Variant of Uncertain Significance.

Ambry Genetics
Classification: Uncertain significance for Inborn genetic diseases. Last evaluated: 2024-04-20. Review status: criteria provided, single submitter. Criteria: Ambry Variant Classification Scheme 2023. Collection method: clinical testing. Allele origin: germline.